The following is an entry in ClinVar:

NM_001042492.3(NF1):c.4824del (p.Tyr1607_Tyr1608insTer)

Gene: NF1 (neurofibromin 1; plus strand). Cytogenetic location: 17q11.2.
Variant type: Deletion.
Coding change: c.4824del on transcript NM_001042492.3 (MANE Select); coding-DNA position 4824, one base deleted (T; older notation c.4824delT).
Protein change: p.Tyr1607_Tyr1608insTer.
Molecular consequence: nonsense. On other transcripts: frameshift variant (1).
Genome position (GRCh38, 1-based): chr17:31,265,328, T deleted. VCF-style (leftmost placement, unchanged base first): chr17-31265327-AT-A. GRCh37 (hg19) VCF-style: chr17-29592345-AT-A.
Other names: c.4761delT, p.Tyr1587Terfs (NM_000267.4).
Identifiers: ClinVar variation 1069825 (VCV001069825.5), dbSNP rs2151470332, ClinGen allele CA2499224152.

ClinVar aggregate classification (germline): Pathogenic (1 of 4 stars; one submission).

Conditions:
Neurofibromatosis, type 1 (NF1). Also called: VON RECKLINGHAUSEN DISEASE; Peripheral type neurofibromatosis; NEUROFIBROMATOSIS, TYPE I, SOMATIC; Neurofibromatosis, type I. Identifiers: Orphanet 636, MedGen C0027831, MONDO:0018975, OMIM 162200. Disease mechanism: loss of function.

Submission:

Labcorp Genetics (formerly Invitae), Labcorp
Classification: Pathogenic for Neurofibromatosis, type 1. Last evaluated: 2020-09-20. Review status: criteria provided, single submitter. Criteria: Invitae Variant Classification Sherloc (09022015). Collection method: clinical testing. Allele origin: germline.
Comment: For these reasons, this variant has been classified as Pathogenic. Loss-of-function variants in NF1 are known to be pathogenic (PMID: 10712197, 23913538). Algorithms developed to predict the effect of sequence changes on RNA splicing suggest that this variant may create or strengthen a splice site, but this prediction has not been confirmed by published transcriptional studies. This variant has not been reported in the literature in individuals with NF1-related conditions. This variant is not present in population databases (ExAC no frequency). This sequence change creates a premature translational stop signal (p.Tyr1587*) in the NF1 gene. It is expected to result in an absent or disrupted protein product.

Literature cited by the submitters: PubMed 10712197; PubMed 23913538.